The following is an entry in ClinVar:

ClinVar aggregate classification (germline): Uncertain significance (1 of 4 stars; one submission).

Conditions:
Congenital contractural arachnodactyly (CCA). Also called: BEALS SYNDROME; Beals-Hecht syndrome; Arthrogryposis, distal, type 9. Identifiers: Orphanet 115, MedGen C0220668, MONDO:0007363, OMIM 121050.

Allele frequency attached by ClinVar (database versions not stated): TOPMed 0.00001.

Submission:

Labcorp Genetics (formerly Invitae), Labcorp
Classification: Uncertain significance for Congenital contractural arachnodactyly. Last evaluated: 2022-12-06. Review status: criteria provided, single submitter. Criteria: Invitae Variant Classification Sherloc (09022015). Collection method: clinical testing. Allele origin: germline.
Comment: This sequence change replaces glutamine, which is neutral and polar, with glutamic acid, which is acidic and polar, at codon 1464 of the FBN2 protein (p.Gln1464Glu). This variant is not present in population databases (gnomAD no frequency). This variant has not been reported in the literature in individuals affected with FBN2-related conditions. ClinVar contains an entry for this variant (Variation ID: 1363100). Advanced modeling of protein sequence and biophysical properties (such as structural, functional, and spatial information, amino acid conservation, physicochemical variation, residue mobility, and thermodynamic stability) performed at Invitae indicates that this missense variant is not expected to disrupt FBN2 protein function. In summary, the available evidence is currently insufficient to determine the role of this variant in disease. Therefore, it has been classified as a Variant of Uncertain Significance.

NM_001999.4(FBN2):c.4390C>G (p.Gln1464Glu)

Gene: FBN2 (fibrillin 2; minus strand). Cytogenetic location: 5q23.3.
Variant type: single nucleotide variant.
Coding change: c.4390C>G on transcript NM_001999.4 (MANE Select); coding-DNA position 4390, C replaced by G.
Protein change: p.Gln1464Glu; replaces glutamine 1464 with glutamic acid.
Molecular consequence: missense variant.
Genome position (GRCh38, 1-based): chr5:128,328,777, G>C on the plus strand (C>G on the coding strand, the complement: FBN2 is on the minus strand). VCF-style: chr5-128328777-G-C. GRCh37 (hg19) VCF-style: chr5-127664469-G-C.
Other names: short protein forms Q1464E.
Identifiers: ClinVar variation 1363100 (VCV001363100.8), dbSNP rs1750620267, ClinGen allele CA360753057.